The following is an entry in ClinVar:

NM_001330260.2(SCN8A):c.4277G>A (p.Arg1426Gln)

Gene: SCN8A (sodium voltage-gated channel alpha subunit 8; plus strand). Cytogenetic location: 12q13.13.
Variant type: single nucleotide variant.
Coding change: c.4277G>A on transcript NM_001330260.2 (MANE Select); coding-DNA position 4277, G replaced by A.
Protein change: p.Arg1426Gln; replaces arginine 1426 with glutamine.
Molecular consequence: missense variant.
Genome position (GRCh38, 1-based): chr12:51,788,744, G>A. VCF-style: chr12-51788744-G-A. GRCh37 (hg19) VCF-style: chr12-52182528-G-A.
Other names: c.4277G>A (NM_001330260.1); c.4154G>A, p.Arg1385Gln (NM_001177984.3, NM_001369788.1); c.4277G>A, p.Arg1426Gln (NM_014191.4); short protein forms R1426Q, R1385Q.
Identifiers: ClinVar variation 391815 (VCV000391815.11), dbSNP rs1057524240, ClinGen allele CA16606317.
Genomic context (GRCh38, chr12:51,788,744, plus strand): 5'-CTGTTTGCCAGGCAACCTTCAAAGGCTGGATGGACATCATGTATGCAGCTGTAGATTCCC[G>A]GAAGGTAAGGATGTACATGGCGAAAATACCACCTTCTCAGATGGCTGGAAAGCAAGCAGC-3'
Protein context (NP_001317189.1, residues 1416-1436): MDIMYAAVDS[Arg1426Gln]KPDEQPKYED

ClinVar aggregate classification (germline): Uncertain significance. Review status: criteria provided, multiple submitters, no conflicts (2 of 4 stars). 3 submissions from 3 submitters: Uncertain significance (3). Last evaluated 2026-10-22.

Conditions:
Early-infantile DEE. Also called: Ohtahara syndrome; Early infantile epileptic encephalopathy with suppression bursts; Early infantile epileptic encephalopathy. Identifiers: Orphanet 1934, MedGen C0393706, MONDO:0800491.

Submissions (3):

GeneDx
Classification: Uncertain significance. Last evaluated: 2026-10-22. Review status: criteria provided, single submitter. Criteria: GeneDx Variant Classification Process June 2021. Collection method: clinical testing. Allele origin: germline.
Comment: Not observed at significant frequency in large population cohorts (gnomAD); In silico analysis supports that this missense variant has a deleterious effect on protein structure/function; Has not been previously published as pathogenic or benign to our knowledge; This substitution is predicted to be within the extracellular loop between the S5 and S6 transmembrane segments of the third homologous domain.

Dasa
Classification: Uncertain significance. Last evaluated: 2025-05-27. Review status: criteria provided, single submitter. Criteria: DASA Assertion Criteria. Collection method: clinical testing. Allele origin: germline.
Comment: NM_001330260.2(SCN8A):c.4277G>A (p.Arg1426Gln) is a missense variant that results in the substitution of arginine with glutamine. This variant is rare in population databases. Computational prediction algorithms are consistent with a deleterious effect. The currently available literature and clinical evidence are not sufficient to establish a definitive association between this variant and the reported condition. Therefore, this variant is classified as a variant of uncertain significance.

Labcorp Genetics (formerly Invitae), Labcorp
Classification: Uncertain significance for Early-infantile DEE. Last evaluated: 2023-08-14. Review status: criteria provided, single submitter. Criteria: Invitae Variant Classification Sherloc (09022015). Collection method: clinical testing. Allele origin: germline.
Comment: This sequence change replaces arginine, which is basic and polar, with glutamine, which is neutral and polar, at codon 1426 of the SCN8A protein (p.Arg1426Gln). This variant is not present in population databases (gnomAD no frequency). This variant has not been reported in the literature in individuals affected with SCN8A-related conditions. ClinVar contains an entry for this variant (Variation ID: 391815). Advanced modeling of protein sequence and biophysical properties (such as structural, functional, and spatial information, amino acid conservation, physicochemical variation, residue mobility, and thermodynamic stability) has been performed at Invitae for this missense variant, however the output from this modeling did not meet the statistical confidence thresholds required to predict the impact of this variant on SCN8A protein function. In summary, the available evidence is currently insufficient to determine the role of this variant in disease. Therefore, it has been classified as a Variant of Uncertain Significance.